The following is an entry in ClinVar:

ClinVar aggregate classification (germline): Uncertain significance. Review status: criteria provided, multiple submitters, no conflicts (2 of 4 stars). 2 submissions from 2 submitters: Uncertain significance (2). Last evaluated 2025-11-17.

Conditions:
Inborn genetic diseases. Identifiers: MedGen C0950123, MeSH D030342.

Allele frequency attached by ClinVar (database versions not stated): gnomAD 0.00001; gnomAD exomes 0.00001 and 0.00003; TOPMed 0.00001; ExAC 0.00002.
gnomAD v4.1: 42 of 1,608,224 alleles (0.0026%); highest among the groups gnomAD compares: Non-Finnish European, 0.0033%; no homozygotes.

Submissions (2):

Labcorp Genetics (formerly Invitae), Labcorp
Classification: Uncertain significance. Last evaluated: 2025-11-17. Review status: criteria provided, single submitter. Criteria: Invitae Variant Classification Sherloc (09022015). Collection method: clinical testing. Allele origin: germline.
Comment: This sequence change replaces aspartic acid, which is acidic and polar, with histidine, which is basic and polar, at codon 554 of the LONP1 protein (p.Asp554His). This variant is present in population databases (rs769588877, gnomAD 0.002%). This variant has not been reported in the literature in individuals affected with LONP1-related conditions. ClinVar contains an entry for this variant (Variation ID: 1466013). Invitae Evidence Modeling of protein sequence and biophysical properties (such as structural, functional, and spatial information, amino acid conservation, physicochemical variation, residue mobility, and thermodynamic stability) has been performed for this missense variant. However, the output from this modeling did not meet the statistical confidence thresholds required to predict the impact of this variant on LONP1 protein function. In summary, the available evidence is currently insufficient to determine the role of this variant in disease. Therefore, it has been classified as a Variant of Uncertain Significance.

Ambry Genetics
Classification: Uncertain significance for Inborn genetic diseases. Last evaluated: 2023-02-06. Review status: criteria provided, single submitter. Criteria: Ambry Variant Classification Scheme 2023. Collection method: clinical testing. Allele origin: germline.

NM_004793.4(LONP1):c.1660G>C (p.Asp554His)

Genes: LONP1 (lon peptidase 1, mitochondrial; minus strand), LOC130063269 (ATAC-STARR-seq lymphoblastoid active region 13814; plus strand). Cytogenetic location: 19p13.3.
Variant type: single nucleotide variant.
Coding change: c.1660G>C on transcript NM_004793.4 (MANE Select); coding-DNA position 1660, G replaced by C.
Protein change: p.Asp554His; replaces aspartic acid 554 with histidine.
Molecular consequence: missense variant. On other transcripts: non-coding transcript variant (1).
Genome position (GRCh38, 1-based): chr19:5,699,052, C>G on the plus strand (G>C on the coding strand, the complement: LONP1 is on the minus strand). VCF-style: chr19-5699052-C-G. GRCh37 (hg19) VCF-style: chr19-5699063-C-G.
Other names: c.1468G>C, p.Asp490His (NM_001276479.2); c.1072G>C, p.Asp358His (NM_001276480.1); c.1660G>C (NM_004793.2); short protein forms D490H, D358H, D554H.
Identifiers: ClinVar variation 1466013 (VCV001466013.8), dbSNP rs769588877, ClinGen allele CA9114590.